The following is an entry in ClinVar:

ClinVar aggregate classification (germline): Likely benign. Review status: criteria provided, single submitter (1 of 4 stars). 2 submissions from 2 submitters: Likely benign (1). 1 of the submissions does not count toward it. Last evaluated 2024-06-29.

Conditions:
COL6A2-related disorder.
Bethlem myopathy 1A. Also called: Bethlem myopathy 1; Bethlem Muscular Dystrophy; MYOPATHY, BENIGN CONGENITAL, WITH CONTRACTURES. Identifiers: Orphanet 610, MedGen CN029274, MONDO:0024530, OMIM 158810.

Allele frequency attached by ClinVar (database versions not stated): TOPMed 0.00002; ExAC 0.00003; gnomAD 0.00003 and 0.00004; ESP Exome Variant Server 0.00008.
gnomAD v4.1: 28 of 1,612,764 alleles (0.0017%); highest among the groups gnomAD compares: African/African-American, 0.0027%; no homozygotes.

Submissions (2):

Labcorp Genetics (formerly Invitae), Labcorp
Classification: Likely benign for Bethlem myopathy 1A. Last evaluated: 2024-06-29. Review status: criteria provided, single submitter. Criteria: Invitae Variant Classification Sherloc (09022015). Collection method: clinical testing. Allele origin: germline.

PreventionGenetics, part of Exact Sciences
Classification: Likely benign for COL6A2-related condition. Last evaluated: 2024-05-25. Review status: no assertion criteria provided. Collection method: clinical testing. Allele origin: germline. Not counted in ClinVar's aggregate classification.
Comment: This variant is classified as likely benign based on ACMG/AMP sequence variant interpretation guidelines (Richards et al. 2015 PMID: 25741868, with internal and published modifications).

NM_001849.4(COL6A2):c.1710G>A (p.Gly570=)

Gene: COL6A2 (collagen type VI alpha 2 chain; plus strand). Cytogenetic location: 21q22.3.
Variant type: single nucleotide variant.
Coding change: c.1710G>A on transcript NM_001849.4 (MANE Select); coding-DNA position 1710, G replaced by A.
Protein change: p.Gly570=; no amino-acid change (glycine 570 retained).
Molecular consequence: synonymous variant.
Genome position (GRCh38, 1-based): chr21:46,124,689, G>A. VCF-style: chr21-46124689-G-A. GRCh37 (hg19) VCF-style: chr21-47544603-G-A.
Other names: c.1710G>A, p.Gly570= (NM_058174.3, NM_058175.3).
Identifiers: ClinVar variation 715926 (VCV000715926.12), dbSNP rs377210303, ClinGen allele CA10072125.